The following is an entry in ClinVar:

ClinVar aggregate classification (germline): Uncertain significance. Review status: criteria provided, multiple submitters, no conflicts (2 of 4 stars). 2 submissions from 2 submitters: Uncertain significance (2). Last evaluated 2025-08-13.

Conditions:
Inborn genetic diseases. Identifiers: MedGen C0950123, MeSH D030342.

gnomAD v4.1: 48 of 1,612,944 alleles (0.003%); highest among the groups gnomAD compares: Middle Eastern, 0.082%; no homozygotes.

Submissions (2):

Ambry Genetics
Classification: Uncertain significance for Inborn genetic diseases. Last evaluated: 2025-08-13. Review status: criteria provided, single submitter. Criteria: Ambry Variant Classification Scheme 2023. Collection method: clinical testing. Allele origin: germline.

GeneDx
Classification: Uncertain significance. Last evaluated: 2024-06-12. Review status: criteria provided, single submitter. Criteria: GeneDx Variant Classification Process June 2021. Collection method: clinical testing. Allele origin: germline. Affected: yes.
Comment: In silico analysis supports that this missense variant has a deleterious effect on protein structure/function; Has not been previously published as pathogenic or benign to our knowledge

NM_003052.5(SLC34A1):c.20G>T (p.Arg7Met)

Gene: SLC34A1 (solute carrier family 34 member 1; plus strand). Cytogenetic location: 5q35.3.
Variant type: single nucleotide variant.
Coding change: c.20G>T on transcript NM_003052.5 (MANE Select); coding-DNA position 20, G replaced by T.
Protein change: p.Arg7Met; replaces arginine 7 with methionine.
Molecular consequence: missense variant.
Genome position (GRCh38, 1-based): chr5:177,385,761, G>T. VCF-style: chr5-177385761-G-T. GRCh37 (hg19) VCF-style: chr5-176812762-G-T.
Other names: c.20G>T, p.Arg7Met (NM_001167579.2); short protein forms R7M.
Identifiers: ClinVar variation 3390472 (VCV003390472.2).
Genomic context (GRCh38, chr5:177,385,761, plus strand): 5'-TGAGACCCACTGACCTGCAGACCTCATAGTGGGTGCCCAGGATGTTGTCCTACGGAGAGA[G>T]GCTGGGGTCCCCTGCTGTCTCCCCACTCCCAGTCCGTGGGGGGCATGTGATGCGAGGGAC-3'
Protein context (NP_003043.3, residues 1-17): MLSYGE[Arg7Met]LGSPAVSPLP